The following is an entry in ClinVar:

ClinVar aggregate classification (germline): Uncertain significance. Review status: criteria provided, multiple submitters, no conflicts (2 of 4 stars). 4 submissions from 4 submitters: Uncertain significance (4). Last evaluated 2025-02-18.

Conditions:
Inborn genetic diseases. Identifiers: MedGen C0950123, MeSH D030342.
Drash syndrome (DDS). Also called: NEPHROPATHY, WILMS TUMOR, AND GENITAL ANOMALIES; WILMS TUMOR AND PSEUDO- OR TRUE HERMAPHRODITISM. Identifiers: Orphanet 220, MedGen C0950121, MONDO:0008682, OMIM 194080.
Wilms tumor 1 (WT1). Also called: Wilms tumor, somatic. Identifiers: Orphanet 654, MedGen CN033288, MONDO:0008679, OMIM 194070.
Frasier syndrome. Identifiers: Orphanet 347, MedGen C0950122, MeSH D052159, MONDO:0007635, OMIM 136680.
11p partial monosomy syndrome (WAGR). Also called: CHROMOSOME 11p13 DELETION SYNDROME; WAGR syndrome; WAGR Complex; WAGR Spectrum Disorder. Identifiers: Orphanet 893, MedGen C0206115, MONDO:0008681, OMIM 194072.

Allele frequency attached by ClinVar (database versions not stated): ExAC below 0.00001; gnomAD exomes below 0.00001 and 0.00001; TOPMed 0.00001.

Submissions (4):

Labcorp Genetics (formerly Invitae), Labcorp
Classification: Uncertain significance for Wilms tumor 1; Drash syndrome; 11p partial monosomy syndrome; Frasier syndrome. Last evaluated: 2025-02-18. Review status: criteria provided, single submitter. Criteria: Invitae Variant Classification Sherloc (09022015). Collection method: clinical testing. Allele origin: germline.
Comment: This sequence change replaces proline, which is neutral and non-polar, with leucine, which is neutral and non-polar, at codon 130 of the WT1 protein (p.Pro130Leu). This variant is present in population databases (rs769642496, gnomAD 0.002%). This missense change has been observed in individual(s) with azoospermia (PMID: 25451826). ClinVar contains an entry for this variant (Variation ID: 406681). Invitae Evidence Modeling of protein sequence and biophysical properties (such as structural, functional, and spatial information, amino acid conservation, physicochemical variation, residue mobility, and thermodynamic stability) has been performed for this missense variant. However, the output from this modeling did not meet the statistical confidence thresholds required to predict the impact of this variant on WT1 protein function. In summary, the available evidence is currently insufficient to determine the role of this variant in disease. Therefore, it has been classified as a Variant of Uncertain Significance.

Ambry Genetics
Classification: Uncertain significance for Inborn genetic diseases. Last evaluated: 2025-02-03. Review status: criteria provided, single submitter. Criteria: Ambry Variant Classification Scheme 2023. Collection method: clinical testing. Allele origin: germline.
Comment: The p.P130L variant (also known as c.389C>T), located in coding exon 1 of the WT1 gene, results from a C to T substitution at nucleotide position 389. The proline at codon 130 is replaced by leucine, an amino acid with similar properties. This amino acid position is highly conserved in available vertebrate species. In addition, the in silico prediction for this alteration is inconclusive. Based on the available evidence, the clinical significance of this variant remains unclear.

All of Us Research Program, National Institutes of Health
Classification: Uncertain significance for Wilms tumor 1. Last evaluated: 2023-08-15. Review status: criteria provided, single submitter. Criteria: ACMG Guidelines, 2015. Collection method: clinical testing. Allele origin: germline. Inheritance: Autosomal dominant inheritance. Observed: 1 variant allele, 1 heterozygote.
Comment: This missense variant replaces proline with leucine at codon 130 of the WT1 protein. Computational prediction suggests that this variant may not impact protein structure and function (internally defined REVEL score threshold <= 0.5, PMID: 27666373). To our knowledge, functional studies have not been reported for this variant. This variant has been reported in an individual affected with non-obstructive azoospermia patient (PMID: 25461826). This variant has been identified in 1/157016 chromosomes in the general population by the Genome Aggregation Database (gnomAD). The available evidence is insufficient to determine the role of this variant in disease conclusively. Therefore, this variant is classified as a Variant of Uncertain Significance.

This study involves interpretation of variants in research participants for the purpose of population health screening. Participant phenotype was not available at the time of variant classification. Additional details can be found in publication PMID: 35346344, PMCID: PMC8962531

Mendelics
Classification: Uncertain significance for Drash syndrome. Last evaluated: 2019-05-28. Review status: criteria provided, single submitter. Criteria: Mendelics Assertion Criteria 2017. Collection method: clinical testing. Allele origin: unknown.

Literature cited by the submitters: PubMed 25451826 (cited by Labcorp Genetics (formerly Invitae), Labcorp); PubMed 25461826 (cited by All of Us Research Program, National Institutes of Health).

NM_024426.6(WT1):c.404C>T (p.Pro135Leu)

Genes: WT1 (WT1 transcription factor; minus strand), LOC107982234 (WT1/WT1-AS bi-directional promoter region; plus strand). Cytogenetic location: 11p13.
Variant type: single nucleotide variant.
Coding change: c.404C>T on transcript NM_024426.6 (MANE Select); coding-DNA position 404, C replaced by T.
Protein change: p.Pro135Leu; replaces proline 135 with leucine.
Molecular consequence: missense variant. On other transcripts: non-coding transcript variant (1).
Genome position (GRCh38, 1-based): chr11:32,434,957, G>A on the plus strand (C>T on the coding strand, the complement: WT1 is on the minus strand). VCF-style: chr11-32434957-G-A. GRCh37 (hg19) VCF-style: chr11-32456503-G-A.
Other names: c.404C>T, p.Pro135Leu (NM_000378.6, NM_024424.5); short protein forms P135L.
Identifiers: ClinVar variation 406681 (VCV000406681.13), dbSNP rs769642496, ClinGen allele CA064898.